The following is an entry in ClinVar:

ClinVar aggregate classification (germline): Pathogenic (1 of 4 stars; one submission).

Conditions:
Hereditary insensitivity to pain with anhidrosis (CIPA). Also called: NTRK1 Congenital Insensitivity to Pain with Anhidrosis; INSENSITIVITY TO PAIN, CONGENITAL, WITH ANHIDROSIS; FAMILIAL DYSAUTONOMIA, TYPE II; NEUROPATHY, CONGENITAL SENSORY, WITH ANHIDROSIS; HSAN Type IV; hereditary sensory and autonomic neuropathy type 4. Identifiers: Orphanet 642, MedGen C0020074, MONDO:0009746, OMIM 256800.

gnomAD v4.1: 1 of 1,577,168 alleles (0.000063%); no homozygotes.

Submission:

Natera, Inc.
Classification: Pathogenic for Hereditary insensitivity to pain with anhidrosis. Last evaluated: 2024-06-17. Review status: criteria provided, single submitter. Criteria: Natera Variant Classification Schema (03/2026). Collection method: clinical testing. Allele origin: germline.
Comment: The c.145C>T variant in NTRK1 is a nonsense variant predicted to introduce a stop codon at amino acid 49. This variant is expected to result in nonsense mediated decay, truncation, or a dysfunctional protein product. This variant is rare in the general population with a frequency below the threshold expected for the associated phenotype(s). This variant has been observed in one or more individuals affected with the associated recessive disease, as either homozygous or compound heterozygous with a second variant (PMID: 37769650). Given the available evidence, this variant is classified as Pathogenic.

Literature cited by the submitters: PubMed 37769650.

NM_002529.4(NTRK1):c.145C>T (p.Arg49Ter)

Gene: NTRK1 (neurotrophic receptor tyrosine kinase 1; plus strand). Cytogenetic location: 1q23.1.
Variant type: single nucleotide variant.
Coding change: c.145C>T on transcript NM_002529.4 (MANE Select); coding-DNA position 145, C replaced by T.
Protein change: p.Arg49Ter; replaces arginine 49 with a stop codon.
Molecular consequence: nonsense. On other transcripts: intron variant (1).
Genome position (GRCh38, 1-based): chr1:156,861,079, C>T. VCF-style: chr1-156861079-C-T. GRCh37 (hg19) VCF-style: chr1-156830871-C-T.
Other names: c.145C>T, p.Arg49Ter (NM_001012331.2); c.123-3275C>T (NM_001007792.1); short protein forms R49*.
Identifiers: ClinVar variation 4814505 (VCV004814505.2).